The following is an entry in ClinVar:

NM_032264.6(NBPF3):c.1581C>T (p.His527=)

Gene: NBPF3 (NBPF member 3; plus strand). Cytogenetic location: 1p36.12.
Variant type: single nucleotide variant.
Coding change: c.1581C>T on transcript NM_032264.6 (MANE Select); coding-DNA position 1581, C replaced by T.
Protein change: p.His527=; no amino-acid change (histidine 527 retained).
Molecular consequence: synonymous variant. On other transcripts: non-coding transcript variant (1).
Genome position (GRCh38, 1-based): chr1:21,481,744, C>T. VCF-style: chr1-21481744-C-T. GRCh37 (hg19) VCF-style: chr1-21808237-C-T.
Other names: c.1413C>T, p.His471= (NM_001377492.1, NM_001377493.1, NM_001377494.1 and 3 more transcripts); c.1302C>T, p.His434= (NM_001377496.1); c.1545C>T, p.His515= (NM_001256416.4); c.1371C>T, p.His457= (NM_001256417.4).
Identifiers: ClinVar variation 4681477 (VCV004681477.5).

ClinVar aggregate classification (germline): Likely benign (1 of 4 stars; one submission).

Submission:

CeGaT Center for Human Genetics Tuebingen
Classification: Likely benign. Last evaluated: 2025-11-01. Review status: criteria provided, single submitter. Criteria: CeGaT Center For Human Genetics Tuebingen Variant Classification Criteria Version 2. Collection method: clinical testing. Allele origin: germline. Affected: yes. Observed: 1 variant allele.
Comment: NBPF3: BP4, BP7